The following is an entry in ClinVar:

NM_001253697.2(ERBIN):c.2174A>G (p.Lys725Arg)

Gene: ERBIN (erbb2 interacting protein; plus strand). Cytogenetic location: 5q12.3.
Variant type: single nucleotide variant.
Coding change: c.2174A>G on transcript NM_001253697.2 (MANE Select); coding-DNA position 2174, A replaced by G.
Protein change: p.Lys725Arg; replaces lysine 725 with arginine.
Molecular consequence: missense variant.
Genome position (GRCh38, 1-based): chr5:66,053,492, A>G. VCF-style: chr5-66053492-A-G. GRCh37 (hg19) VCF-style: chr5-65349320-A-G.
Other names: c.2174A>G, p.Lys725Arg (NM_001006600.3, NM_001253698.2, NM_001253699.2 and 1 more transcripts); c.2162A>G, p.Lys721Arg (NM_001253701.2); short protein forms K721R, K725R.
Identifiers: ClinVar variation 2818256 (VCV002818256.3), dbSNP rs2546810572, ClinGen allele CA359864325.

ClinVar aggregate classification (germline): Uncertain significance (1 of 4 stars; one submission).

Submission:

Labcorp Genetics (formerly Invitae), Labcorp
Classification: Uncertain significance. Last evaluated: 2022-12-03. Review status: criteria provided, single submitter. Criteria: Invitae Variant Classification Sherloc (09022015). Collection method: clinical testing. Allele origin: germline.
Comment: In summary, the available evidence is currently insufficient to determine the role of this variant in disease. Therefore, it has been classified as a Variant of Uncertain Significance. Algorithms developed to predict the effect of missense changes on protein structure and function output the following: SIFT: "Tolerated"; PolyPhen-2: "Benign"; Align-GVGD: "Class C0". The arginine amino acid residue is found in multiple mammalian species, which suggests that this missense change does not adversely affect protein function. This variant has not been reported in the literature in individuals affected with ERBIN-related conditions. This variant is not present in population databases (gnomAD no frequency). This sequence change replaces lysine, which is basic and polar, with arginine, which is basic and polar, at codon 725 of the ERBIN protein (p.Lys725Arg).